The following is an entry in ClinVar:

ClinVar aggregate classification (germline): Pathogenic (1 of 4 stars; one submission).

Conditions:
Familial thoracic aortic aneurysm and aortic dissection (TAAD). Also called: Thoracic aortic aneurysms and dissections. Identifiers: Orphanet 91387, MedGen C4707243, MONDO:0019625.
Hereditary cancer-predisposing syndrome. Also called: Hereditary Cancer Syndrome; Neoplastic Syndromes, Hereditary; Tumor predisposition; Hereditary neoplastic syndrome. Identifiers: Orphanet 140162, MedGen C0027672, MeSH D009386, MONDO:0015356.

Submission:

Ambry Genetics
Classification: Pathogenic for Hereditary cancer-predisposing syndrome; Familial thoracic aortic aneurysm and aortic dissection. Last evaluated: 2021-05-26. Review status: criteria provided, single submitter. Criteria: Ambry Variant Classification Scheme 2023. Collection method: clinical testing. Allele origin: germline.
Comment: The c.479dupA pathogenic mutation, located in coding exon 4 of the SMAD4 gene, results from a duplication of A at nucleotide position 479, causing a translational frameshift with a predicted alternate stop codon (p.D160Efs*2). This alteration is expected to result in loss of function by premature protein truncation or nonsense-mediated mRNA decay. As such, this alteration is interpreted as a disease-causing mutation.

NM_005359.6(SMAD4):c.479dup (p.Asp160fs)

Gene: SMAD4 (SMAD family member 4; plus strand). Cytogenetic location: 18q21.2.
Variant type: Duplication.
Coding change: c.479dup on transcript NM_005359.6 (MANE Select); coding-DNA position 479, one base duplicated (A; older notation c.479dupA).
Protein change: p.Asp160fs; shifts the reading frame from aspartic acid 160.
Molecular consequence: frameshift variant.
Genome position (GRCh38, 1-based): chr18:51,054,805, A duplicated. VCF-style (leftmost placement, unchanged base first): chr18-51054804-G-GA. GRCh37 (hg19) VCF-style: chr18-48581174-G-GA.
Other names: c.479dup, p.Asp160Glufs (NM_001407041.1, NM_001407042.1, NM_001407043.1); c.479dupA (NM_005359.5); short protein forms D160fs.
Identifiers: ClinVar variation 1743161 (VCV001743161.2), dbSNP rs2511374326, ClinGen allele CA2580095891.